The following is an entry in ClinVar:

ClinVar aggregate classification (germline): Likely benign. Review status: criteria provided, multiple submitters, no conflicts (2 of 4 stars). 3 submissions from 3 submitters: Likely benign (3). Last evaluated 2026-06-09.

Conditions:
Cardiovascular phenotype. Identifiers: MedGen CN230736.
Duchenne muscular dystrophy (DMD). Also called: Duchenne Muscular Dystrophy (DMD); MUSCULAR DYSTROPHY, PSEUDOHYPERTROPHIC PROGRESSIVE, DUCHENNE TYPE. Identifiers: Orphanet 98896, MedGen C0013264, MONDO:0010679, OMIM 310200.

Allele frequency attached by ClinVar (database versions not stated): gnomAD exomes below 0.00001 and 0.00001; TOPMed below 0.00001; ExAC 0.00001; gnomAD 0.00002.
gnomAD v4.1: 7 of 1,209,027 alleles (0.00058%); highest among the groups gnomAD compares: Non-Finnish European, 0.00078%; no homozygotes.

Submissions (3):

Ambry Genetics
Classification: Likely benign for Cardiovascular phenotype. Last evaluated: 2026-06-09. Review status: criteria provided, single submitter. Criteria: Ambry Variant Classification Scheme 2023. Collection method: clinical testing. Allele origin: germline.

Labcorp Genetics (formerly Invitae), Labcorp
Classification: Likely benign for Duchenne muscular dystrophy. Last evaluated: 2025-03-23. Review status: criteria provided, single submitter. Criteria: Invitae Variant Classification Sherloc (09022015). Collection method: clinical testing. Allele origin: germline.

GeneDx
Classification: Likely benign. Last evaluated: 2017-04-11. Review status: criteria provided, single submitter. Criteria: GeneDx Variant Classification (06012015). Collection method: clinical testing. Allele origin: germline. Affected: yes.
Comment: This variant is considered likely benign or benign based on one or more of the following criteria: it is a conservative change, it occurs at a poorly conserved position in the protein, it is predicted to be benign by multiple in silico algorithms, and/or has population frequency not consistent with disease.

NM_004006.3(DMD):c.5133G>A (p.Gln1711=)

Gene: DMD (dystrophin; minus strand). Cytogenetic location: Xp21.1.
Variant type: single nucleotide variant.
Coding change: c.5133G>A on transcript NM_004006.3 (MANE Select); coding-DNA position 5133, G replaced by A.
Protein change: p.Gln1711=; no amino-acid change (glutamine 1711 retained).
Molecular consequence: synonymous variant.
Genome position (GRCh38, 1-based): chrX:32,364,603, C>T on the plus strand (G>A on the coding strand, the complement: DMD is on the minus strand). VCF-style: chrX-32364603-C-T. GRCh37 (hg19) VCF-style: chrX-32382720-C-T.
Other names: c.5109G>A, p.Gln1703= (NM_000109.4); c.5121G>A, p.Gln1707= (NM_004009.3); c.4764G>A, p.Gln1588= (NM_004010.3); c.1110G>A, p.Gln370= (NM_004011.4); c.1101G>A, p.Gln367= (NM_004012.4).
Identifiers: ClinVar variation 517840 (VCV000517840.11), dbSNP rs771957811, ClinGen allele CA10378771.